The following is an entry in ClinVar:

ClinVar aggregate classification (germline): Uncertain significance. Review status: criteria provided, multiple submitters, no conflicts (2 of 4 stars). 3 submissions from 3 submitters: Uncertain significance (3). Last evaluated 2024-07-25.

Conditions:
Familial adenomatous polyposis 1 (FAP1). Also called: FAMILIAL ADENOMATOUS POLYPOSIS 1, ATTENUATED; POLYPOSIS, ADENOMATOUS INTESTINAL. Identifiers: MedGen C2713442, MONDO:0021056, OMIM 175100. Disease mechanism: loss of function.
Classic or attenuated familial adenomatous polyposis. Identifiers: MedGen CN372698, MONDO:0021057.
Hereditary cancer-predisposing syndrome. Also called: Neoplastic Syndromes, Hereditary; Tumor predisposition; Hereditary neoplastic syndrome; Hereditary Cancer Syndrome. Identifiers: Orphanet 140162, MedGen C0027672, MeSH D009386, MONDO:0015356.

Submissions (3):

Labcorp Genetics (formerly Invitae), Labcorp
Classification: Uncertain significance for Familial adenomatous polyposis 1. Last evaluated: 2024-07-25. Review status: criteria provided, single submitter. Criteria: Invitae Variant Classification Sherloc (09022015). Collection method: clinical testing. Allele origin: germline.
Comment: This sequence change replaces phenylalanine, which is neutral and non-polar, with tyrosine, which is neutral and polar, at codon 1195 of the APC protein (p.Phe1195Tyr). This variant is not present in population databases (gnomAD no frequency). This variant has not been reported in the literature in individuals affected with APC-related conditions. ClinVar contains an entry for this variant (Variation ID: 839917). Advanced modeling of protein sequence and biophysical properties (such as structural, functional, and spatial information, amino acid conservation, physicochemical variation, residue mobility, and thermodynamic stability) performed at Invitae indicates that this missense variant is not expected to disrupt APC protein function with a negative predictive value of 95%. In summary, the available evidence is currently insufficient to determine the role of this variant in disease. Therefore, it has been classified as a Variant of Uncertain Significance.

Ambry Genetics
Classification: Uncertain significance for Hereditary cancer-predisposing syndrome. Last evaluated: 2024-06-30. Review status: criteria provided, single submitter. Criteria: Ambry Variant Classification Scheme 2023. Collection method: clinical testing. Allele origin: germline.
Comment: The p.F1195Y variant (also known as c.3584T>A), located in coding exon 15 of the APC gene, results from a T to A substitution at nucleotide position 3584. The phenylalanine at codon 1195 is replaced by tyrosine, an amino acid with highly similar properties. This amino acid position is highly conserved in available vertebrate species. In addition, in silico predictors for this gene do not accurately predict pathogenicity. Since supporting evidence is limited at this time, the clinical significance of this alteration remains unclear.

All of Us Research Program, National Institutes of Health
Classification: Uncertain significance for Classic or attenuated familial adenomatous polyposis. Last evaluated: 2024-05-14. Review status: criteria provided, single submitter. Criteria: ACMG Guidelines, 2015. Collection method: clinical testing. Allele origin: germline. Inheritance: Autosomal dominant inheritance. Observed: 1 variant allele, 1 heterozygote.
Comment: This missense variant replaces phenylalanine with tyrosine at codon 1195 of the APC protein. Computational prediction suggests that this variant may not impact protein structure and function (internally defined REVEL score threshold <= 0.5, PMID: 27666373). To our knowledge, functional studies have not been reported for this variant. This variant has not been reported in individuals affected with APC-related disorders in the literature. This variant has not been identified in the general population by the Genome Aggregation Database (gnomAD). The available evidence is insufficient to determine the role of this variant in disease conclusively. Therefore, this variant is classified as a Variant of Uncertain Significance.

This study involves interpretation of variants in research participants for the purpose of population health screening. Participant phenotype was not available at the time of variant classification. Additional details can be found in publication PMID: 35346344, PMCID: PMC8962531

NM_000038.6(APC):c.3584T>A (p.Phe1195Tyr)

Gene: APC (APC regulator of Wnt signaling pathway; plus strand). Cytogenetic location: 5q22.2.
Variant type: single nucleotide variant.
Coding change: c.3584T>A on transcript NM_000038.6 (MANE Select); coding-DNA position 3584, T replaced by A.
Protein change: p.Phe1195Tyr; replaces phenylalanine 1195 with tyrosine.
Molecular consequence: missense variant.
Genome position (GRCh38, 1-based): chr5:112,839,178, T>A. VCF-style: chr5-112839178-T-A. GRCh37 (hg19) VCF-style: chr5-112174875-T-A.
Other names: c.3584T>A, p.Phe1195Tyr (NM_001127510.3, NM_001354895.2); c.3530T>A, p.Phe1177Tyr (NM_001127511.3); c.3638T>A, p.Phe1213Tyr (NM_001354896.2); c.3614T>A, p.Phe1205Tyr (NM_001354897.2); c.3509T>A, p.Phe1170Tyr (NM_001354898.2); c.3500T>A, p.Phe1167Tyr (NM_001354899.2); c.3461T>A, p.Phe1154Tyr (NM_001354900.2); c.3407T>A, p.Phe1136Tyr (NM_001354901.2); and 5 more; short protein forms F1094Y, F1170Y, F1069Y, F1104Y, F1136Y, F1154Y, F912Y, F1035Y.
Identifiers: ClinVar variation 839917 (VCV000839917.15), dbSNP rs386833392, ClinGen allele CA16029206.